The following is an entry in ClinVar:

ClinVar aggregate classification (germline): Uncertain significance. Review status: criteria provided, multiple submitters, no conflicts (2 of 4 stars). 5 submissions from 5 submitters: Uncertain significance (4). 1 of the submissions does not count toward it. Last evaluated 2025-12-15.

Conditions:
MYO7A-related disorder. Also called: MYO7A-related disorders.
Usher syndrome type 1B (USH1B). Also called: Usher syndrome type IB. Identifiers: MedGen C1848638, MONDO:0700087.

Allele frequency attached by ClinVar (database versions not stated): gnomAD 0.00002; gnomAD exomes 0.00002.
gnomAD v4.1: 35 of 1,613,820 alleles (0.0022%); highest among the groups gnomAD compares: South Asian, 0.0055%; no homozygotes.

Submissions (5):

PreventionGenetics, part of Exact Sciences
Classification: Uncertain significance for MYO7A-related condition. Last evaluated: 2025-12-15. Review status: criteria provided, single submitter. Criteria: ACMG Guidelines, 2015. Collection method: clinical testing. Allele origin: germline.
Comment: The MYO7A c.4013G>A variant is predicted to result in the amino acid substitution p.Arg1338His. This variant is reported in 0.0036% of alleles in individuals of European (Non-Finnish) descent in gnomAD. At this time, the clinical significance of this variant is uncertain due to the absence of conclusive functional and genetic evidence.

Labcorp Genetics (formerly Invitae), Labcorp
Classification: Uncertain significance. Last evaluated: 2025-09-17. Review status: criteria provided, single submitter. Criteria: Invitae Variant Classification Sherloc (09022015). Collection method: clinical testing. Allele origin: germline.
Comment: This sequence change replaces arginine, which is basic and polar, with histidine, which is basic and polar, at codon 1338 of the MYO7A protein (p.Arg1338His). This variant is present in population databases (rs778477059, gnomAD 0.004%). This missense change has been observed in individual(s) with autosomal dominant hearing loss (PMID: 34795337). ClinVar contains an entry for this variant (Variation ID: 1202976). Invitae Evidence Modeling of protein sequence and biophysical properties (such as structural, functional, and spatial information, amino acid conservation, physicochemical variation, residue mobility, and thermodynamic stability) indicates that this missense variant is not expected to disrupt MYO7A protein function with a negative predictive value of 95%. In summary, the available evidence is currently insufficient to determine the role of this variant in disease. Therefore, it has been classified as a Variant of Uncertain Significance.

GeneDx
Classification: Uncertain significance. Last evaluated: 2025-02-13. Review status: criteria provided, single submitter. Criteria: GeneDx Variant Classification Process June 2021. Collection method: clinical testing. Allele origin: germline. Affected: yes.
Comment: Reported in a patient with hearing loss in published literature (PMID: 34795337); In silico analysis supports that this missense variant has a deleterious effect on protein structure/function; This variant is associated with the following publications: (PMID: 34795337)

Blueprint Genetics
Classification: Uncertain significance. Last evaluated: 2022-11-08. Review status: criteria provided, single submitter. Criteria: ACMG Guidelines, 2015. Collection method: clinical testing. Allele origin: germline.

Natera, Inc.
Classification: Uncertain significance for Usher syndrome type 1B. Last evaluated: 2020-01-24. Review status: no assertion criteria provided. Collection method: clinical testing. Allele origin: germline. Not counted in ClinVar's aggregate classification.

Literature cited by the submitters: PubMed 34795337 (cited by Labcorp Genetics (formerly Invitae), Labcorp).

NM_000260.4(MYO7A):c.4013G>A (p.Arg1338His)

Gene: MYO7A (myosin VIIA; plus strand). Cytogenetic location: 11q13.5.
Variant type: single nucleotide variant.
Coding change: c.4013G>A on transcript NM_000260.4 (MANE Select); coding-DNA position 4013, G replaced by A.
Protein change: p.Arg1338His; replaces arginine 1338 with histidine.
Molecular consequence: missense variant.
Genome position (GRCh38, 1-based): chr11:77,192,139, G>A. VCF-style: chr11-77192139-G-A. GRCh37 (hg19) VCF-style: chr11-76903184-G-A.
Other names: c.4013G>A, p.Arg1338His (NM_001127180.2); c.3980G>A, p.Arg1327His (NM_001369365.1); short protein forms R1327H, R1338H.
Identifiers: ClinVar variation 1202976 (VCV001202976.10), dbSNP rs778477059, ClinGen allele CA224846230.